The following is an entry in ClinVar:

NM_012210.4(TRIM32):c.603C>T (p.Arg201=)

Genes: ASTN2 (astrotactin 2; minus strand), TRIM32 (tripartite motif containing 32; plus strand). Cytogenetic location: 9q33.1.
Variant type: single nucleotide variant.
Coding change: c.603C>T on transcript NM_012210.4 (MANE Select); coding-DNA position 603, C replaced by T.
Protein change: p.Arg201=; no amino-acid change (arginine 201 retained).
Molecular consequence: synonymous variant. On other transcripts: intron variant (3).
Genome position (GRCh38, 1-based): chr9:116,698,345, C>T. VCF-style: chr9-116698345-C-T. GRCh37 (hg19) VCF-style: chr9-119460624-C-T.
Other names: c.603C>T, p.Arg201= (NM_001099679.2, NM_001379048.1, NM_001379049.1 and 1 more transcripts); c.2653+27426G>A (NM_014010.5); c.2794+27426G>A (NM_001365069.1); c.2806+27426G>A (NM_001365068.1).
Identifiers: ClinVar variation 382743 (VCV000382743.10), dbSNP rs767937527, ClinGen allele CA5211014.
Genomic context (GRCh38, chr9:116,698,345, plus strand): 5'-TAAAGCAGTTCTCCAGGAGTATGGGCATGAGGAGCGCAGGGTCCAGGATGAGCTGGCTCG[C>T]TCTCGGAAGTTCTTCACAGGCTCTTTGGCTGAAGTTGAGAAGTCCAATAGTCAAGTGGTA-3'
Protein context (NP_036342.2, residues 191-211): EERRVQDELA[Arg201=]SRKFFTGSLA

ClinVar aggregate classification (germline): Likely benign. Review status: criteria provided, multiple submitters, no conflicts (2 of 4 stars). 4 submissions from 4 submitters: Likely benign (3). 1 of the submissions does not count toward it. Last evaluated 2026-01-05.

Conditions:
Bardet-Biedl syndrome (BBS). Identifiers: Orphanet 110, MedGen C0752166, MONDO:0015229.
TRIM32-related disorder. Also called: TRIM32-related condition.

Allele frequency attached by ClinVar (database versions not stated): ExAC 0.00002; gnomAD 0.00002; gnomAD exomes 0.00002 and 0.00003; TOPMed 0.00002.
gnomAD v4.1: 12 of 1,614,014 alleles (0.00074%); highest among the groups gnomAD compares: Admixed American, 0.013%; no homozygotes.

Submissions (4):

Labcorp Genetics (formerly Invitae), Labcorp
Classification: Likely benign for Bardet-Biedl syndrome. Last evaluated: 2026-01-05. Review status: criteria provided, single submitter. Criteria: Invitae Variant Classification Sherloc (09022015). Collection method: clinical testing. Allele origin: germline.

Blueprint Genetics
Classification: Likely benign. Last evaluated: 2023-09-29. Review status: criteria provided, single submitter. Criteria: ACMG Guidelines, 2015. Collection method: clinical testing. Allele origin: germline.

GeneDx
Classification: Likely benign. Last evaluated: 2016-02-08. Review status: criteria provided, single submitter. Criteria: GeneDx Variant Classification (06012015). Collection method: clinical testing. Allele origin: germline. Affected: yes.
Comment: This variant is considered likely benign or benign based on one or more of the following criteria: it is a conservative change, it occurs at a poorly conserved position in the protein, it is predicted to be benign by multiple in silico algorithms, and/or has population frequency not consistent with disease.

PreventionGenetics, part of Exact Sciences
Classification: Likely benign for TRIM32-related condition. Last evaluated: 2019-09-11. Review status: no assertion criteria provided. Collection method: clinical testing. Allele origin: germline. Not counted in ClinVar's aggregate classification.
Comment: This variant is classified as likely benign based on ACMG/AMP sequence variant interpretation guidelines (Richards et al. 2015 PMID: 25741868, with internal and published modifications).